The following is an entry in ClinVar:

ClinVar aggregate classification (germline): Uncertain significance (1 of 4 stars; one submission).

Conditions:
Mitochondrial complex V (ATP synthase) deficiency, nuclear type 2. Also called: Nuclear-Encoded ATPase Deficiency, TMEM70-Related; ENCEPHALOCARDIOMYOPATHY, MITOCHONDRIAL, NEONATAL, DUE TO ATP SYNTHASE DEFICIENCY; MITOCHONDRIAL COMPLEX V (ATP SYNTHASE) DEFICIENCY, TMEM70 TYPE. Identifiers: Orphanet 1194, MedGen C3279699, MONDO:0013546, OMIM 614052.

Submission:

Labcorp Genetics (formerly Invitae), Labcorp
Classification: Uncertain significance for Mitochondrial complex V (ATP synthase) deficiency, nuclear type 2. Last evaluated: 2022-01-11. Review status: criteria provided, single submitter. Criteria: Invitae Variant Classification Sherloc (09022015). Collection method: clinical testing. Allele origin: germline.
Comment: This sequence change replaces alanine, which is neutral and non-polar, with valine, which is neutral and non-polar, at codon 103 of the TMEM70 protein (p.Ala103Val). This variant is not present in population databases (gnomAD no frequency). This variant has not been reported in the literature in individuals affected with TMEM70-related conditions. Algorithms developed to predict the effect of missense changes on protein structure and function (SIFT, PolyPhen-2, Align-GVGD) all suggest that this variant is likely to be tolerated. In summary, the available evidence is currently insufficient to determine the role of this variant in disease. Therefore, it has been classified as a Variant of Uncertain Significance.

NM_017866.6(TMEM70):c.308C>T (p.Ala103Val)

Gene: TMEM70 (transmembrane protein 70; plus strand). Cytogenetic location: 8q21.11.
Variant type: single nucleotide variant.
Coding change: c.308C>T on transcript NM_017866.6 (MANE Select); coding-DNA position 308, C replaced by T.
Protein change: p.Ala103Val; replaces alanine 103 with valine.
Molecular consequence: missense variant. On other transcripts: non-coding transcript variant (1).
Genome position (GRCh38, 1-based): chr8:73,978,853, C>T. VCF-style: chr8-73978853-C-T. GRCh37 (hg19) VCF-style: chr8-74891088-C-T.
Other names: c.308C>T, p.Ala103Val (NM_001040613.3); short protein forms A103V.
Identifiers: ClinVar variation 2078440 (VCV002078440.3), dbSNP rs2536393065, ClinGen allele CA371489689.
Genomic context (GRCh38, chr8:73,978,853, plus strand): 5'-ATACGCCATCTGACAAATCAGAAGATGGAAGGCTAATTTATACTGGCAATATGGCCCGAG[C>T]AGTGTTTGGTAAGTAATTGGAGGTGGGTGTACTTACTTTGTTTTTTTCTCTTTTAATTGT-3'
Protein context (NP_060336.3, residues 93-113): RLIYTGNMAR[Ala103Val]VFGVKCFSYS